The following is an entry in ClinVar:

ClinVar aggregate classification (germline): Likely benign (1 of 4 stars; one submission).

Allele frequency attached by ClinVar (database versions not stated): gnomAD 0.00001.

Submission:

CeGaT Center for Human Genetics Tuebingen
Classification: Likely benign. Last evaluated: 2023-02-01. Review status: criteria provided, single submitter. Criteria: CeGaT Center For Human Genetics Tuebingen Variant Classification Criteria Version 2. Collection method: clinical testing. Allele origin: germline. Affected: yes. Observed: 1 variant allele.
Comment: KIDINS220: BP4, BP7

NM_020738.4(KIDINS220):c.1038A>G (p.Arg346=)

Gene: KIDINS220 (kinase D interacting substrate 220; minus strand). Cytogenetic location: 2p25.1.
Variant type: single nucleotide variant.
Coding change: c.1038A>G on transcript NM_020738.4 (MANE Select); coding-DNA position 1038, A replaced by G.
Protein change: p.Arg346=; no amino-acid change (arginine 346 retained).
Molecular consequence: synonymous variant. On other transcripts: non-coding transcript variant (2).
Genome position (GRCh38, 1-based): chr2:8,796,831, T>C on the plus strand (A>G on the coding strand, the complement: KIDINS220 is on the minus strand). VCF-style: chr2-8796831-T-C. GRCh37 (hg19) VCF-style: chr2-8936961-T-C.
Other names: c.1041A>G, p.Arg347= (NM_001348729.2, NM_001348731.2, NM_001348734.2 and 3 more transcripts); c.1038A>G, p.Arg346= (NM_001348732.2, NM_001348735.2, NM_001348738.2 and 3 more transcripts); c.912A>G, p.Arg304= (NM_001348736.2).
Identifiers: ClinVar variation 2650660 (VCV002650660.24), dbSNP rs1378215341, ClinGen allele CA424777463.